The following is an entry in ClinVar:

NM_001374828.1(ARID1B):c.1600_1602dup (p.Ser534_Gln535insSer)

Gene: ARID1B (AT-rich interaction domain 1B; plus strand). Cytogenetic location: 6q25.3.
Variant type: Duplication.
Coding change: c.1600_1602dup on transcript NM_001374828.1 (MANE Select); coding-DNA positions 1600 to 1602, 3 bases duplicated (TCG; older notation c.1600_1602dupTCG).
Protein change: p.Ser534_Gln535insSer.
Molecular consequence: inframe insertion.
Genome position (GRCh38, 1-based): chr6:156,779,280-156,779,282, TCG duplicated; duplicating any 3 consecutive bases within chr6:156,779,278-156,779,282 gives the same sequence; the c. name uses the placement nearest the transcript's 3' end. VCF-style (leftmost placement, unchanged base first): chr6-156779277-C-CCGT. GRCh37 (hg19) VCF-style: chr6-157100411-C-CCGT.
Other names: c.1600_1602dup, p.Ser534_Gln535insSer (NM_001371656.1, NM_001374820.1, NM_001438482.1 and 9 more transcripts).
Identifiers: ClinVar variation 4738481 (VCV004738481.1).

ClinVar aggregate classification (germline): Uncertain significance (1 of 4 stars; one submission).

Submission:

Labcorp Genetics (formerly Invitae), Labcorp
Classification: Uncertain significance. Last evaluated: 2025-10-10. Review status: criteria provided, single submitter. Criteria: Invitae Variant Classification Sherloc (09022015). Collection method: clinical testing. Allele origin: germline.
Comment: This variant, c.1351_1353dup, results in the insertion of 1 amino acid(s) of the ARID1B protein (p.Ser451dup), but otherwise preserves the integrity of the reading frame. The frequency data for this variant in the population databases is considered unreliable, as metrics indicate insufficient coverage at this position in the gnomAD database. This variant has not been reported in the literature in individuals affected with ARID1B-related conditions. In summary, the available evidence is currently insufficient to determine the role of this variant in disease. Therefore, it has been classified as a Variant of Uncertain Significance.